The following is an entry in ClinVar:

ClinVar aggregate classification (germline): Uncertain significance (1 of 4 stars; one submission).

Conditions:
Nephronophthisis 12 (NPHP12). Identifiers: Orphanet 655, MedGen C3151186, MONDO:0013442, OMIM 613820.

Submission:

OLLIN Analises Genomicas, OLLIN
Classification: Uncertain significance for Nephronophthisis 12. Last evaluated: 2026-08-06. Review status: criteria provided, single submitter. Criteria: ACMG Guidelines 2015 PMID 25741868. Collection method: clinical testing. Allele origin: germline. Inheritance: Autosomal dominant inheritance.
Comment: This missense variant, located in exon 3 (of 29), is absent from gnomAD and ClinVar and has not been identified in the literature. In silico analysis predicts that this variant has a deleterious effect. According to the currently available evidence, this variant has been classified as uncertain significance (PM2_P, PP3).

NM_024753.5(TTC21B):c.262G>A (p.Asp88Asn)

Gene: TTC21B (tetratricopeptide repeat domain 21B; minus strand). Cytogenetic location: 2q24.3.
Variant type: single nucleotide variant.
Coding change: c.262G>A on transcript NM_024753.5 (MANE Select); coding-DNA position 262, G replaced by A.
Protein change: p.Asp88Asn; replaces aspartic acid 88 with asparagine.
Molecular consequence: missense variant.
Genome position (GRCh38, 1-based): chr2:165,949,394, C>T on the plus strand (G>A on the coding strand, the complement: TTC21B is on the minus strand). VCF-style: chr2-165949394-C-T. GRCh37 (hg19) VCF-style: chr2-166805904-C-T.
Other names: short protein forms D88N.
Identifiers: ClinVar variation 5002916 (VCV005002916.1).